The following is an entry in ClinVar:

ClinVar aggregate classification (germline): Uncertain significance (1 of 4 stars; one submission).

Conditions:
Autosomal dominant polycystic kidney disease. Identifiers: Orphanet 730, MedGen C0085413, MONDO:0004691.

gnomAD v4.1: 1 of 1,280,538 alleles (0.000078%); highest among the groups gnomAD compares: Non-Finnish European, 0.000099%; no homozygotes.

Submission:

Labcorp Genetics (formerly Invitae), Labcorp
Classification: Uncertain significance for Autosomal dominant polycystic kidney disease. Last evaluated: 2023-10-15. Review status: criteria provided, single submitter. Criteria: Invitae Variant Classification Sherloc (09022015). Collection method: clinical testing. Allele origin: germline.
Comment: This sequence change replaces cysteine, which is neutral and slightly polar, with phenylalanine, which is neutral and non-polar, at codon 47 of the PKD2 protein (p.Cys47Phe). This variant is not present in population databases (gnomAD no frequency). This variant has not been reported in the literature in individuals affected with PKD2-related conditions. An algorithm developed to predict the effect of missense changes on protein structure and function (PolyPhen-2) suggests that this variant is likely to be tolerated. In summary, the available evidence is currently insufficient to determine the role of this variant in disease. Therefore, it has been classified as a Variant of Uncertain Significance.

NM_000297.4(PKD2):c.140G>T (p.Cys47Phe)

Genes: PKD2 (polycystin 2, transient receptor potential cation channel; plus strand), LOC129992813 (ATAC-STARR-seq lymphoblastoid silent region 15559; plus strand). Cytogenetic location: 4q22.1.
Variant type: single nucleotide variant.
Coding change: c.140G>T on transcript NM_000297.4 (MANE Select); coding-DNA position 140, G replaced by T.
Protein change: p.Cys47Phe; replaces cysteine 47 with phenylalanine.
Molecular consequence: missense variant. On other transcripts: non-coding transcript variant (1).
Genome position (GRCh38, 1-based): chr4:88,007,873, G>T. VCF-style: chr4-88007873-G-T. GRCh37 (hg19) VCF-style: chr4-88929025-G-T.
Other names: short protein forms C47F.
Identifiers: ClinVar variation 2776731 (VCV002776731.3), dbSNP rs1726228664, ClinGen allele CA357625387.
Genomic context (GRCh38, chr4:88,007,873, plus strand): 5'-GCCGGCTGATGGCTGGCTGCGCGGCCGTGGGCGCCAGCCTCGCCGCCCCGGGCGGCCTCT[G>T]CGAGCAGCGGGGCCTGGAGATCGAGATGCAGCGCATCCGGCAGGCGGCCGCGCGGGACCC-3'
Protein context (NP_000288.1, residues 37-57): GASLAAPGGL[Cys47Phe]EQRGLEIEMQ